The following is an entry in ClinVar:

NM_001039591.3(USP9X):c.5854T>G (p.Phe1952Val)

Gene: USP9X (ubiquitin specific peptidase 9 X-linked; plus strand). Cytogenetic location: Xp11.4.
Variant type: single nucleotide variant.
Coding change: c.5854T>G on transcript NM_001039591.3 (MANE Select); coding-DNA position 5854, T replaced by G.
Protein change: p.Phe1952Val; replaces phenylalanine 1952 with valine.
Molecular consequence: missense variant.
Genome position (GRCh38, 1-based): chrX:41,216,421, T>G. VCF-style: chrX-41216421-T-G. GRCh37 (hg19) VCF-style: chrX-41075674-T-G.
Other names: c.5854T>G, p.Phe1952Val (NM_001039590.3); c.5869T>G, p.Phe1957Val (NM_001410748.1, NM_001410749.1); short protein forms F1952V, F1957V.
Identifiers: ClinVar variation 3364633 (VCV003364633.1).

ClinVar aggregate classification (germline): Uncertain significance (1 of 4 stars; one submission).

Submission:

GeneDx
Classification: Uncertain significance. Last evaluated: 2023-11-22. Review status: criteria provided, single submitter. Criteria: GeneDx Variant Classification Process June 2021. Collection method: clinical testing. Allele origin: germline. Affected: yes.
Comment: Not observed at significant frequency in large population cohorts (gnomAD); In silico analysis supports that this missense variant has a deleterious effect on protein structure/function; Has not been previously published as pathogenic or benign to our knowledge